The following is an entry in ClinVar:

NR_104076.1(RNVU1-15):n.82C>G

Genes: RNVU1-15 (RNA, variant U1 small nuclear 15; plus strand), LOC113939979 (Sharpr-MPRA regulatory region 7263; plus strand). Cytogenetic location: 1q21.1.
Variant type: single nucleotide variant.
Molecular consequence: non-coding transcript variant (on NR_104076.1).
Genome position: GRCh38 VCF-style: chr1-144412657-C-G. GRCh37 (hg19) VCF-style: chr1-148604991-G-C.
Identifiers: ClinVar variation 3770176 (VCV003770176.1).

ClinVar aggregate classification (germline): Uncertain significance (1 of 4 stars; one submission).

Submission:

Institute for Human Genetics, University Hospital Essen
Classification: Uncertain significance. Last evaluated: 2005-03-05. Review status: criteria provided, single submitter. Criteria: ACMG Guidelines, 2015. Collection method: clinical testing. Allele origin: de novo. Affected: yes.
Comment: PM2_supp, PS2